The following is an entry in ClinVar:

NM_001089.3(ABCA3):c.991-2A>G

Gene: ABCA3 (ATP binding cassette subfamily A member 3; minus strand). Cytogenetic location: 16p13.3.
Variant type: single nucleotide variant.
Coding change: c.991-2A>G on transcript NM_001089.3 (MANE Select); the canonical splice acceptor site of the intron before coding-DNA position 991, A replaced by G.
Molecular consequence: splice acceptor variant.
Genome position (GRCh38, 1-based): chr16:2,317,405, T>C on the plus strand (A>G on the coding strand, the complement: ABCA3 is on the minus strand). VCF-style: chr16-2317405-T-C. GRCh37 (hg19) VCF-style: chr16-2367406-T-C.
Identifiers: ClinVar variation 2879422 (VCV002879422.3), dbSNP rs2505665428, ClinGen allele CA394343315.

ClinVar aggregate classification (germline): Likely pathogenic (1 of 4 stars; one submission).

Submission:

Labcorp Genetics (formerly Invitae), Labcorp
Classification: Likely pathogenic. Last evaluated: 2024-01-11. Review status: criteria provided, single submitter. Criteria: Invitae Variant Classification Sherloc (09022015). Collection method: clinical testing. Allele origin: germline.
Comment: This sequence change affects an acceptor splice site in intron 9 of the ABCA3 gene. It is expected to disrupt RNA splicing. Variants that disrupt the donor or acceptor splice site typically lead to a loss of protein function (PMID: 16199547), and loss-of-function variants in ABCA3 are known to be pathogenic (PMID: 27516224). This variant is not present in population databases (gnomAD no frequency). This variant has not been reported in the literature in individuals affected with ABCA3-related conditions. Algorithms developed to predict the effect of sequence changes on RNA splicing suggest that this variant may disrupt the consensus splice site. In summary, the currently available evidence indicates that the variant is pathogenic, but additional data are needed to prove that conclusively. Therefore, this variant has been classified as Likely Pathogenic.

Literature cited by the submitters: PubMed 16199547; PubMed 27516224.